The following is an entry in ClinVar:

ClinVar aggregate classification (germline): Uncertain significance (1 of 4 stars; one submission).

Conditions:
Oto-palato-digital syndrome, type II (OPD2). Also called: Otopalatodigital Syndrome Type 2 (FLNA-OPD2); FACIOPALATOOSSEOUS SYNDROME; OPD II SYNDROME; Otopalatodigital Syndrome, Type II. Identifiers: Orphanet 669, Orphanet 90652, MedGen C1844696, MONDO:0010571, OMIM 304120.
Heterotopia, periventricular, X-linked dominant (PVNH1). Also called: PERIVENTRICULAR NODULAR HETEROTOPIA 1; X-linked periventricular heterotopia; PERIVENTRICULAR NODULAR HETEROTOPIA 4; HETEROTOPIA, PERIVENTRICULAR, 1. Identifiers: Orphanet 2149, Orphanet 82004, MedGen C1848213, MONDO:0010233, OMIM 300049.
Melnick-Needles syndrome (MNS). Also called: Melnick-Needles Syndrome (FLNA-MNS); MELNICK-NEEDLES OSTEODYSPLASTY; OSTEODYSPLASTY OF MELNICK AND NEEDLES. Identifiers: Orphanet 2484, MedGen C0025237, MONDO:0010650, OMIM 309350.
Frontometaphyseal dysplasia (FMD1). Identifiers: Orphanet 1826, MedGen C0265293, MONDO:0015942.

Allele frequency attached by ClinVar (database versions not stated): gnomAD exomes below 0.00001; TOPMed 0.00001.

Submission:

Labcorp Genetics (formerly Invitae), Labcorp
Classification: Uncertain significance for Oto-palato-digital syndrome, type II; Heterotopia, periventricular, X-linked dominant; Frontometaphyseal dysplasia; Melnick-Needles syndrome. Last evaluated: 2023-11-24. Review status: criteria provided, single submitter. Criteria: Invitae Variant Classification Sherloc (09022015). Collection method: clinical testing. Allele origin: germline.
Comment: This sequence change replaces serine, which is neutral and polar, with glycine, which is neutral and non-polar, at codon 2024 of the FLNA protein (p.Ser2024Gly). This variant is not present in population databases (gnomAD no frequency). This variant has not been reported in the literature in individuals affected with FLNA-related conditions. Advanced modeling of protein sequence and biophysical properties (such as structural, functional, and spatial information, amino acid conservation, physicochemical variation, residue mobility, and thermodynamic stability) performed at Invitae indicates that this missense variant is not expected to disrupt FLNA protein function with a negative predictive value of 95%. In summary, the available evidence is currently insufficient to determine the role of this variant in disease. Therefore, it has been classified as a Variant of Uncertain Significance.

NM_001110556.2(FLNA):c.6094A>G (p.Ser2032Gly)

Gene: FLNA (filamin A; minus strand). Cytogenetic location: Xq28.
Variant type: single nucleotide variant.
Coding change: c.6094A>G on transcript NM_001110556.2 (MANE Select); coding-DNA position 6094, A replaced by G.
Protein change: p.Ser2032Gly; replaces serine 2032 with glycine.
Molecular consequence: missense variant.
Genome position (GRCh38, 1-based): chrX:154,353,133, T>C on the plus strand (A>G on the coding strand, the complement: FLNA is on the minus strand). VCF-style: chrX-154353133-T-C. GRCh37 (hg19) VCF-style: chrX-153581501-T-C.
Other names: c.6070A>G, p.Ser2024Gly (NM_001456.4); short protein forms S2032G, S2024G.
Identifiers: ClinVar variation 2926540 (VCV002926540.3), dbSNP rs2067634593, ClinGen allele CA415196166.